The following is an entry in ClinVar:

ClinVar aggregate classification (germline): Uncertain significance. Review status: criteria provided, multiple submitters, no conflicts (2 of 4 stars). 4 submissions from 4 submitters: Uncertain significance (4). Last evaluated 2026-01-02.

Conditions:
MYL4-related disorder. Also called: MYL4-related condition.
Atrial fibrillation, familial, 18 (ATFB18). Identifiers: MedGen C4310636, MONDO:0015001, OMIM 617280.

Allele frequency attached by ClinVar (database versions not stated): gnomAD 0.00001 and 0.00002; gnomAD exomes 0.00001; TOPMed 0.00003.
gnomAD v4.1: 13 of 1,614,056 alleles (0.00081%); highest among the groups gnomAD compares: Middle Eastern, 0.016%; no homozygotes.

Submissions (4):

PreventionGenetics, part of Exact Sciences
Classification: Uncertain significance for MYL4-related condition. Last evaluated: 2026-01-02. Review status: criteria provided, single submitter. Criteria: ACMG Guidelines, 2015. Collection method: clinical testing. Allele origin: germline.
Comment: The MYL4 c.194G>A variant is predicted to result in the amino acid substitution p.Arg65Gln. To our knowledge, this variant has not been reported in the literature. This variant is reported in 0.0040% of alleles in individuals of African descent in gnomAD. At this time, the clinical significance of this variant is uncertain due to the absence of conclusive functional and genetic evidence.

Labcorp Genetics (formerly Invitae), Labcorp
Classification: Uncertain significance for Atrial fibrillation, familial, 18. Last evaluated: 2025-10-07. Review status: criteria provided, single submitter. Criteria: Invitae Variant Classification Sherloc (09022015). Collection method: clinical testing. Allele origin: germline.
Comment: This sequence change replaces arginine, which is basic and polar, with glutamine, which is neutral and polar, at codon 65 of the MYL4 protein (p.Arg65Gln). This variant is present in population databases (no rsID available, gnomAD 0.004%). This variant has not been reported in the literature in individuals affected with MYL4-related conditions. ClinVar contains an entry for this variant (Variation ID: 944027). An algorithm developed to predict the effect of missense changes on protein structure and function (PolyPhen-2) suggests that this variant is likely to be tolerated. Algorithms developed to predict the effect of sequence changes on RNA splicing suggest that this variant may disrupt the consensus splice site. In summary, the available evidence is currently insufficient to determine the role of this variant in disease. Therefore, it has been classified as a Variant of Uncertain Significance.

Blueprint Genetics
Classification: Uncertain significance. Last evaluated: 2024-03-05. Review status: criteria provided, single submitter. Criteria: ACMG Guidelines, 2015. Collection method: clinical testing. Allele origin: germline.

New York Genome Center
Classification: Uncertain significance for Atrial fibrillation, familial, 18. Last evaluated: 2023-04-06. Review status: criteria provided, single submitter. Criteria: NYGC Assertion Criteria 2020. Collection method: clinical testing. Allele origin: germline. Observed: 1 heterozygote.

NM_002476.2(MYL4):c.194G>A (p.Arg65Gln)

Gene: MYL4 (myosin light chain 4; plus strand). Cytogenetic location: 17q21.32.
Variant type: single nucleotide variant.
Coding change: c.194G>A on transcript NM_002476.2 (MANE Select); coding-DNA position 194, G replaced by A.
Protein change: p.Arg65Gln; replaces arginine 65 with glutamine.
Molecular consequence: missense variant.
Genome position (GRCh38, 1-based): chr17:47,219,934, G>A. VCF-style: chr17-47219934-G-A. GRCh37 (hg19) VCF-style: chr17-45297300-G-A.
Other names: c.194G>A, p.Arg65Gln (NM_001002841.2); short protein forms R65Q.
Identifiers: ClinVar variation 944027 (VCV000944027.10), dbSNP rs1050214578, ClinGen allele CA291225112.